The following is an entry in ClinVar:

NM_016169.4(SUFU):c.31G>C (p.Gly11Arg)

Genes: SUFU (SUFU negative regulator of hedgehog signaling; plus strand), LOC130004614 (ATAC-STARR-seq lymphoblastoid silent region 2764; plus strand). Cytogenetic location: 10q24.32.
Variant type: single nucleotide variant.
Coding change: c.31G>C on transcript NM_016169.4 (MANE Select); coding-DNA position 31, G replaced by C.
Protein change: p.Gly11Arg; replaces glycine 11 with arginine.
Molecular consequence: missense variant.
Genome position (GRCh38, 1-based): chr10:102,504,183, G>C. VCF-style: chr10-102504183-G-C. GRCh37 (hg19) VCF-style: chr10-104263940-G-C.
Other names: c.31G>C, p.Gly11Arg (NM_001178133.2); short protein forms G11R.
Identifiers: ClinVar variation 1319742 (VCV001319742.8), dbSNP rs1322807658, ClinGen allele CA377886157.

ClinVar aggregate classification (germline): Conflicting classifications of pathogenicity. Review status: criteria provided, conflicting classifications (1 of 4 stars). 5 submissions from 5 submitters: Uncertain significance (4); Likely benign (1). Last evaluated 2024-09-18.

Conditions:
Familial meningioma. Also called: Meningioma, familial, susceptibility to. Identifiers: Orphanet 263662, MedGen C3551915, MONDO:0011789, OMIM 607174.
Basal cell nevus syndrome 2 (BCNS2). Also called: NEVOID BASAL CELL CARCINOMA SYNDROME 2. Identifiers: MedGen C5830451, MONDO:0958189, OMIM 620343.
Joubert syndrome 32 (JBTS32). Identifiers: MedGen C4540342, MONDO:0033309, OMIM 617757.
Medulloblastoma (MDB). Also called: Medulloblastoma, somatic; MEDULLOBLASTOMA PREDISPOSITION SYNDROME. Identifiers: Orphanet 616, MedGen C0025149, MeSH D008527, MONDO:0007959, OMIM 155255, HP:0002885.
Hereditary cancer-predisposing syndrome. Also called: Hereditary neoplastic syndrome; Neoplastic Syndromes, Hereditary; Tumor predisposition; Hereditary Cancer Syndrome. Identifiers: Orphanet 140162, MedGen C0027672, MeSH D009386, MONDO:0015356.

Submissions (5):

Department of Pathology and Laboratory Medicine, Sinai Health System
Classification: Uncertain significance for Medulloblastoma; Familial meningioma; Joubert syndrome 32; Basal cell nevus syndrome 2. Last evaluated: 2024-09-18. Review status: criteria provided, single submitter. Criteria: ACMG Guidelines, 2015. Collection method: clinical testing. Allele origin: germline.

Ambry Genetics
Classification: Likely benign for Hereditary cancer-predisposing syndrome. Last evaluated: 2022-01-07. Review status: criteria provided, single submitter. Criteria: Ambry Variant Classification Scheme 2023. Collection method: clinical testing. Allele origin: germline.

Institute for Clinical Genetics, University Hospital TU Dresden, University Hospital TU Dresden
Classification: Uncertain significance. Last evaluated: 2021-11-03. Review status: criteria provided, single submitter. Criteria: ACMG Guidelines, 2015. Collection method: clinical testing. Allele origin: germline.

Sema4
Classification: Uncertain significance for Hereditary cancer-predisposing syndrome. Last evaluated: 2021-07-13. Review status: criteria provided, single submitter. Criteria: Sema4 Curation Guidelines. Collection method: curation. Allele origin: germline.
Comment: The SUFU c.31G>C (p.G11R) variant has not been reported in the literature to our knowledge. It was observed in 109/18566 chromosomes of the Latino subpopulation, with no homozygotes, in the large and broad cohorts of the Genome Aggregation Database (PMID: 32461654). The variant has not been reported in ClinVar. Functional studies have not been performed and in silico tool predictions of the variants effect on protein function are inconclusive. The evidence is insufficient to meet ACMG/AMP criteria for classifying the variant as benign or pathogenic. Thus, the clinical significance of this variant is currently uncertain.

Breakthrough Genomics
Classification: Uncertain significance. Review status: criteria provided, single submitter. Criteria: ACMG Guidelines, 2015. Collection method: not provided. Allele origin: germline. Inheritance: Autosomal recessive inheritance. Affected: yes.